The following is an entry in ClinVar:

NM_024537.4(CARS2):c.914A>G (p.His305Arg)

Gene: CARS2 (cysteinyl-tRNA synthetase 2, mitochondrial; minus strand). Cytogenetic location: 13q34.
Variant type: single nucleotide variant.
Coding change: c.914A>G on transcript NM_024537.4 (MANE Select); coding-DNA position 914, A replaced by G.
Protein change: p.His305Arg; replaces histidine 305 with arginine.
Molecular consequence: missense variant. On other transcripts: non-coding transcript variant (2).
Genome position (GRCh38, 1-based): chr13:110,667,345, T>C on the plus strand (A>G on the coding strand, the complement: CARS2 is on the minus strand). VCF-style: chr13-110667345-T-C. GRCh37 (hg19) VCF-style: chr13-111319692-T-C.
Other names: c.128A>G, p.His43Arg (NM_001352252.2); c.914A>G, p.His305Arg (NM_001352253.3); short protein forms H43R, H305R.
Identifiers: ClinVar variation 972471 (VCV000972471.7), dbSNP rs761552163, ClinGen allele CA7052042.

ClinVar aggregate classification (germline): Uncertain significance (1 of 4 stars; one submission).

Conditions:
Combined oxidative phosphorylation defect type 27. Also called: Combined oxidative phosphorylation deficiency 27. Identifiers: Orphanet 477774, MedGen C5567608, MONDO:0014728, OMIM 616672.

Allele frequency attached by ClinVar (database versions not stated): gnomAD exomes below 0.00001; ExAC 0.00001.
gnomAD v4.1: 1 of 1,611,668 alleles (0.000062%); highest among the groups gnomAD compares: Admixed American, 0.0017%; no homozygotes.

Submission:

Labcorp Genetics (formerly Invitae), Labcorp
Classification: Uncertain significance for Combined oxidative phosphorylation defect type 27. Last evaluated: 2022-07-11. Review status: criteria provided, single submitter. Criteria: Invitae Variant Classification Sherloc (09022015). Collection method: clinical testing. Allele origin: germline.
Comment: This variant has not been reported in the literature in individuals affected with CARS2-related conditions. In summary, the available evidence is currently insufficient to determine the role of this variant in disease. Therefore, it has been classified as a Variant of Uncertain Significance. Algorithms developed to predict the effect of missense changes on protein structure and function (SIFT, PolyPhen-2, Align-GVGD) all suggest that this variant is likely to be disruptive. ClinVar contains an entry for this variant (Variation ID: 972471). This variant is present in population databases (rs761552163, gnomAD 0.003%). This sequence change replaces histidine, which is basic and polar, with arginine, which is basic and polar, at codon 305 of the CARS2 protein (p.His305Arg).